The following is an entry in ClinVar:

ClinVar aggregate classification (germline): Pathogenic/Likely pathogenic. Review status: criteria provided, multiple submitters, no conflicts (2 of 4 stars). 2 submissions from 2 submitters: Pathogenic (1); Likely pathogenic (1). Last evaluated 2025-12-08.

Conditions:
Glycogen storage disease, type IV (GSD4). Also called: AMYLOPECTINOSIS; ANDERSEN DISEASE; BRANCHER DEFICIENCY; CIRRHOSIS, FAMILIAL, WITH DEPOSITION OF ABNORMAL GLYCOGEN; GBE1 DEFICIENCY; GLYCOGEN BRANCHING ENZYME DEFICIENCY. Identifiers: Orphanet 367, MedGen C0017923, MONDO:0009292, OMIM 232500.

Submissions (2):

Myriad Genetics, Inc.
Classification: Pathogenic for Glycogen storage disease, type IV. Last evaluated: 2025-12-08. Review status: criteria provided, single submitter. Criteria: Myriad Autosomal Dominant, Autosomal Recessive and X-Linked Classification Criteria (2023). Collection method: clinical testing. Allele origin: unknown.
Comment: NM_000158.3(GBE1):c.787delT(Y263Mfs*11) is expected to be pathogenic in the context of glycogen storage disease, GBE1-related. This variant is predicted to lead to an abnormal or absent protein product due to the creation of a premature termination codon in GBE1, a gene where loss-of-function variants are known to be pathogenic. Please note: this variant was assessed in the context of healthy population screening.

Natera, Inc.
Classification: Likely pathogenic for Glycogen storage disease type IV. Last evaluated: 2025-03-13. Review status: criteria provided, single submitter. Criteria: Natera Variant Classification Schema (03/2026). Collection method: clinical testing. Allele origin: germline.
Comment: The c.787del variant in GBE1 is a frameshift variant predicted to shift the reading frame beginning at codon 263 and leads to a stop codon 11 codons downstream. This variant is expected to result in nonsense mediated decay, truncation, or a dysfunctional protein product. This variant is rare in the general population with a frequency below the threshold expected for the associated phenotype(s). Given the available evidence, this variant is classified as Likely Pathogenic.

NM_000158.4(GBE1):c.787del (p.Tyr263fs)

Gene: GBE1 (1,4-alpha-glucan branching enzyme 1; minus strand). Cytogenetic location: 3p12.2.
Variant type: Deletion.
Coding change: c.787del on transcript NM_000158.4 (MANE Select); coding-DNA position 787, one base deleted (T; older notation c.787delT).
Protein change: p.Tyr263fs; shifts the reading frame from tyrosine 263.
Molecular consequence: frameshift variant.
Genome position (GRCh38, 1-based): chr3:81,642,986, A deleted on the plus strand (T on the coding strand, the reverse complement: GBE1 is on the minus strand); the first of 2 consecutive A bases (chr3:81,642,986-81,642,987); deleting either gives the same sequence. VCF-style (leftmost placement, unchanged base first): chr3-81642985-TA-T. GRCh37 (hg19) VCF-style: chr3-81692136-TA-T.
Other names: short protein forms Y263fs.
Identifiers: ClinVar variation 4068495 (VCV004068495.3).
Genomic context (GRCh38, chr3:81,642,985, plus strand): 5'-ACTATGATACCCATGGAATGAGCTGTGTCTACCAGTTCTTGTAGCTCTTCAGGTGTTCCA[TA>T]ACGGCTAACAATGAAGAACACAGCAAAAAGAAGATTACATCACATTTAGAGGAAACAGCC-3'